The following is an entry in ClinVar:

ClinVar aggregate classification (germline): Uncertain significance (1 of 4 stars; one submission).

Allele frequency attached by ClinVar (database versions not stated): gnomAD exomes 0.00001; ExAC 0.00002; gnomAD 0.00003; TOPMed 0.00006.
gnomAD v4.1: 23 of 1,614,006 alleles (0.0014%); highest among the groups gnomAD compares: South Asian, 0.0088%; no homozygotes.

Submission:

Labcorp Genetics (formerly Invitae), Labcorp
Classification: Uncertain significance. Last evaluated: 2021-12-21. Review status: criteria provided, single submitter. Criteria: Invitae Variant Classification Sherloc (09022015). Collection method: clinical testing. Allele origin: germline.
Comment: This sequence change replaces alanine, which is neutral and non-polar, with valine, which is neutral and non-polar, at codon 1025 of the SBF1 protein (p.Ala1025Val). This variant is present in population databases (rs763503786, gnomAD 0.01%). This variant has not been reported in the literature in individuals affected with SBF1-related conditions. Algorithms developed to predict the effect of missense changes on protein structure and function are either unavailable or do not agree on the potential impact of this missense change (SIFT: "Deleterious"; PolyPhen-2: "Possibly Damaging"; Align-GVGD: "Class C0"). In summary, the available evidence is currently insufficient to determine the role of this variant in disease. Therefore, it has been classified as a Variant of Uncertain Significance.

NM_002972.4(SBF1):c.3074C>T (p.Ala1025Val)

Gene: SBF1 (SET binding factor 1; minus strand). Cytogenetic location: 22q13.33.
Variant type: single nucleotide variant.
Coding change: c.3074C>T on transcript NM_002972.4 (MANE Select); coding-DNA position 3074, C replaced by T.
Protein change: p.Ala1025Val; replaces alanine 1025 with valine.
Molecular consequence: missense variant.
Genome position (GRCh38, 1-based): chr22:50,460,606, G>A on the plus strand (C>T on the coding strand, the complement: SBF1 is on the minus strand). VCF-style: chr22-50460606-G-A. GRCh37 (hg19) VCF-style: chr22-50899035-G-A.
Other names: c.3077C>T, p.Ala1026Val (NM_001365819.1, NM_001410794.1); c.3074C>T, p.Ala1025Val (NM_001410795.1, NM_197971.1); short protein forms A1026V, A1025V.
Identifiers: ClinVar variation 2082481 (VCV002082481.1), dbSNP rs763503786, ClinGen allele CA10316896.